The following is an entry in ClinVar:

ClinVar aggregate classification (germline): Conflicting classifications of pathogenicity. Review status: criteria provided, conflicting classifications (1 of 4 stars). 4 submissions from 4 submitters: Likely pathogenic (1); Uncertain significance (2); Likely benign (1). Last evaluated 2026-01-22.

Conditions:
Familial thoracic aortic aneurysm and aortic dissection (TAAD). Also called: Thoracic aortic aneurysms and dissections. Identifiers: Orphanet 91387, MedGen C4707243, MONDO:0019625.
Congenital contractural arachnodactyly (CCA). Also called: Beals-Hecht syndrome; BEALS SYNDROME; Arthrogryposis, distal, type 9. Identifiers: Orphanet 115, MedGen C0220668, MONDO:0007363, OMIM 121050.

Allele frequency attached by ClinVar (database versions not stated): TOPMed 0.00001; gnomAD 0.00003.
gnomAD v4.1: 11 of 1,613,128 alleles (0.00068%); highest among the groups gnomAD compares: African/African-American, 0.0013%; no homozygotes.

Submissions (4):

Labcorp Genetics (formerly Invitae), Labcorp
Classification: Likely benign for Congenital contractural arachnodactyly. Last evaluated: 2026-01-22. Review status: criteria provided, single submitter. Criteria: Invitae Variant Classification Sherloc (09022015). Collection method: clinical testing. Allele origin: germline.

Ambry Genetics
Classification: Uncertain significance for Familial thoracic aortic aneurysm and aortic dissection. Last evaluated: 2024-05-07. Review status: criteria provided, single submitter. Criteria: Ambry Variant Classification Scheme 2023. Collection method: clinical testing. Allele origin: germline.
Comment: The p.R509L variant (also known as c.1526G>T), located in coding exon 11 of the FBN2 gene, results from a G to T substitution at nucleotide position 1526. The arginine at codon 509 is replaced by leucine, an amino acid with dissimilar properties. This variant has been reported in an exome sequencing cohort (Marinakis NM et al. Am J Med Genet A, 2021 Aug;185:2561-2571). This amino acid position is highly conserved in available vertebrate species. In addition, this alteration is predicted to be deleterious by in silico analysis. Based on the available evidence, the clinical significance of this variant remains unclear.

Laboratory of Medical Genetics, National & Kapodistrian University of Athens
Classification: Likely pathogenic for Congenital contractural arachnodactyly. Last evaluated: 2021-10-01. Review status: criteria provided, single submitter. Criteria: ACMG Guidelines, 2015. Collection method: clinical testing. Allele origin: unknown. Affected: yes.
Comment: PM2, PM6, PP3, PP4

GeneDx
Classification: Uncertain significance. Last evaluated: 2014-05-20. Review status: criteria provided, single submitter. Criteria: GeneDx Variant Classification (06012015). Collection method: clinical testing. Allele origin: germline. Affected: yes.
Comment: p.Arg509Leu (CGC>CTC): c.1526 G>T in exon 11 of the FBN2 gene (NM_001999.3) The R509L variant has not been published as a mutation or reported as a benign polymorphism to our knowledge. The R509L variant was not observed in approximately 6,500 individuals of European and African American ancestry in the NHLBI Exome Sequencing Project, indicating it is not a common benign variant in these populations. The R509L variant is a non-conservative amino acid substitution, which is likely to impact secondary protein structure as these residues differ in polarity, charge, size and/or other properties. This substitution occurs at a position that is conserved across species. In silico algorithms are not consistent in their predictions but at least two concur that R509L is probably damaging to the protein structure/function. Nevertheless, no missense mutations in nearby residues have been reported in association with CCA. Therefore, based on the currently available information, it is unclear whether this variant is a pathogenic mutation or a rare benign variant. This variant was found in TAAD

Literature cited by the submitters: PubMed 34008892 (cited by Ambry Genetics and Laboratory of Medical Genetics, National & Kapodistrian University of Athens).

NM_001999.4(FBN2):c.1526G>T (p.Arg509Leu)

Gene: FBN2 (fibrillin 2; minus strand). Cytogenetic location: 5q23.3.
Variant type: single nucleotide variant.
Coding change: c.1526G>T on transcript NM_001999.4 (MANE Select); coding-DNA position 1526, G replaced by T.
Protein change: p.Arg509Leu; replaces arginine 509 with leucine.
Molecular consequence: missense variant.
Genome position (GRCh38, 1-based): chr5:128,392,095, C>A on the plus strand (G>T on the coding strand, the complement: FBN2 is on the minus strand). VCF-style: chr5-128392095-C-A. GRCh37 (hg19) VCF-style: chr5-127727788-C-A.
Other names: short protein forms R509L.
Identifiers: ClinVar variation 213274 (VCV000213274.52), dbSNP rs199587570, ClinGen allele CA321340.